The following is an entry in ClinVar:

ClinVar aggregate classification (germline): Likely pathogenic (1 of 4 stars; one submission).

Conditions:
ZMYM2-related disorder. Also called: ZMYM2-related condition.

Submission:

PreventionGenetics, part of Exact Sciences
Classification: Likely pathogenic for ZMYM2-related condition. Last evaluated: 2024-10-22. Review status: criteria provided, single submitter. Criteria: ACMG Guidelines, 2015. Collection method: clinical testing. Allele origin: germline.
Comment: The ZMYM2 c.1111A>T variant is predicted to result in premature protein termination (p.Lys371*). To our knowledge, this variant has not been reported in the literature or in a large population database (gnomAD), indicating this variant is rare. Nonsense variants in ZMYM2 are expected to be pathogenic. This variant is interpreted as likely pathogenic.

NM_197968.4(ZMYM2):c.1111A>T (p.Lys371Ter)

Gene: ZMYM2 (zinc finger MYM-type containing 2; plus strand). Cytogenetic location: 13q12.11.
Variant type: single nucleotide variant.
Coding change: c.1111A>T on transcript NM_197968.4 (MANE Select); coding-DNA position 1111, A replaced by T.
Protein change: p.Lys371Ter; replaces lysine 371 with a stop codon.
Molecular consequence: nonsense. On other transcripts: non-coding transcript variant (1).
Genome position (GRCh38, 1-based): chr13:20,003,113, A>T. VCF-style: chr13-20003113-A-T. GRCh37 (hg19) VCF-style: chr13-20577253-A-T.
Other names: c.1111A>T, p.Lys371Ter (NM_001190964.4, NM_001190965.4, NM_001353157.2 and 5 more transcripts); c.916A>T, p.Lys306Ter (NM_001353161.3); c.850A>T, p.Lys284Ter (NM_001353163.2); short protein forms K284*, K306*, K371*.
Identifiers: ClinVar variation 3029199 (VCV003029199.3), dbSNP rs2502241506, ClinGen allele CA387669885.
Genomic context (GRCh38, chr13:20,003,113, plus strand): 5'-GCTCACCTCTTTTGTTCTACCACCTGCCTTTCTTCCTTCTCCCACAAGCCTGCTCCAAAG[A>T]AACTCTGTGTTATGTGTAAAAAGTAAGGTTTACCTTTCAACATAATTACATATAGTTGAA-3'